The following is an entry in ClinVar:

ClinVar aggregate classification (germline): Uncertain significance. Review status: criteria provided, multiple submitters, no conflicts (2 of 4 stars). 2 submissions from 2 submitters: Uncertain significance (2). Last evaluated 2023-06-14.

Conditions:
Inborn genetic diseases. Identifiers: MedGen C0950123, MeSH D030342.
Spinal muscular atrophy, lower extremity-predominant, 2b, prenatal onset, autosomal dominant. Also called: Spinal muscular atrophy, lower extremity-predominant, 2B, autosomal dominant. Identifiers: MedGen C4749003, MONDO:0032660, OMIM 618291.

Submissions (2):

Illumina Laboratory Services, Illumina
Classification: Uncertain significance for Spinal muscular atrophy, lower extremity-predominant, 2b, prenatal onset, autosomal dominant. Last evaluated: 2023-06-14. Review status: criteria provided, single submitter. Criteria: ICSLVariantClassificationCriteria RUGD 01 April 2020. Collection method: clinical testing. Allele origin: unknown.
Comment: The BICD2 c.1489_1491delinsTCA, p.(Glu497Ser) missense variant has not, to our knowledge, been reported in the peer-reviewed literature. This variant lies in the middle region of the BICD2 protein that has been shown to interact with the KIF5A protein which is a microtubule motor involved in intracellular organelle transport (PMID: 20386726). Additionally, nearby missense variants such as p.Arg501Pro (ClinVar variation ID: 55862) and p.Lys508Thr (ClinVar variation ID: 55861) have been reported in the literature in multiple individuals with phenotypes consistent with spinal muscular atrophy and spastic paraplegia (PMID: 23664120; 25497877; 31127727). This variant is not observed in version 2.1.1 or version 3.1.2 of the Genome Aggregation Database. Based on the available evidence, the c.1489_1491delinsTCA, p.(Glu497Ser) variant is classified as a variant of uncertain significance for spinal muscular atrophy, lower extremity predominant.

Ambry Genetics
Classification: Uncertain significance for Inborn genetic diseases. Last evaluated: 2019-10-02. Review status: criteria provided, single submitter. Criteria: Ambry Variant Classification Scheme 2023. Collection method: clinical testing. Allele origin: germline.
Comment: The c.1489_1491delGAGinsTCA variant (also known as p.E497S), located in coding exon 5 of the BICD2 gene, results from an in-frame deletion of GAG and insertion of TCA at nucleotide positions 1489 to 1491. This results in the substitution of the glutamic acid residue for a serine residue at codon 497, an amino acid with similar properties. This amino acid position is not well conserved in available vertebrate species. In addition, this alteration is predicted to be neutral by in silico analysis (Choi Y et al. PLoS ONE. 2012; 7(10):e46688). Since supporting evidence is limited at this time, the clinical significance of this alteration remains unclear.

NM_001003800.2(BICD2):c.1489_1491delinsTCA (p.Glu497Ser)

Gene: BICD2 (BICD cargo adaptor 2; minus strand). Cytogenetic location: 9q22.31.
Variant type: Indel.
Coding change: c.1489_1491delinsTCA on transcript NM_001003800.2 (MANE Select); coding-DNA positions 1489 to 1491, GAG replaced by TCA.
Protein change: p.Glu497Ser; replaces glutamic acid 497 with serine.
Molecular consequence: missense variant.
Genome position (GRCh38, 1-based): chr9:92,719,154-92,719,156, CTC replaced by TGA on the plus strand (GAG replaced by TCA on the coding strand, the reverse complement: BICD2 is on the minus strand). VCF-style: chr9-92719154-CTC-TGA. GRCh37 (hg19) VCF-style: chr9-95481436-CTC-TGA.
Other names: c.1489_1491delinsTCA, p.Glu497Ser (NM_015250.4); short protein forms E497S.
Identifiers: ClinVar variation 1773727 (VCV001773727.3), dbSNP rs2490445681, ClinGen allele CA2580080665.